The following is an entry in ClinVar:

NM_003640.5(ELP1):c.2790T>C (p.Asn930=)

Gene: ELP1 (elongator acetyltransferase complex subunit 1; minus strand). Cytogenetic location: 9q31.3.
Variant type: single nucleotide variant.
Coding change: c.2790T>C on transcript NM_003640.5 (MANE Select); coding-DNA position 2790, T replaced by C.
Protein change: p.Asn930=; no amino-acid change (asparagine 930 retained).
Molecular consequence: synonymous variant.
Genome position (GRCh38, 1-based): chr9:108,894,013, A>G on the plus strand (T>C on the coding strand, the complement: ELP1 is on the minus strand). VCF-style: chr9-108894013-A-G. GRCh37 (hg19) VCF-style: chr9-111656293-A-G.
Other names: c.2448T>C, p.Asn816= (NM_001318360.2); c.1743T>C, p.Asn581= (NM_001330749.2); c.2790T>C (LRG_251t1, NM_003640.4).
Identifiers: ClinVar variation 382128 (VCV000382128.15), dbSNP rs1057521262, ClinGen allele CA16605456.

ClinVar aggregate classification (germline): Likely benign. Review status: criteria provided, multiple submitters, no conflicts (2 of 4 stars). 5 submissions from 5 submitters: Likely benign (5). Last evaluated 2026-02-12.

Conditions:
ELP1-related disorder. Also called: ELP1-related condition.
Medulloblastoma (MDB). Also called: Medulloblastoma, somatic; MEDULLOBLASTOMA PREDISPOSITION SYNDROME. Identifiers: Orphanet 616, MedGen C0025149, MeSH D008527, MONDO:0007959, OMIM 155255, HP:0002885.
Familial dysautonomia. Also called: FD; HSAN III. Identifiers: Orphanet 1764, MedGen C0013364, MONDO:0009131, OMIM 223900. Disease mechanism: loss of function.

Allele frequency attached by ClinVar (database versions not stated): gnomAD exomes 0.00001 and 0.00003; TOPMed 0.00001; gnomAD 0.00002 and 0.00003.
gnomAD v4.1: 57 of 1,590,558 alleles (0.0036%); highest among the groups gnomAD compares: Non-Finnish European, 0.0043%; no homozygotes.

Submissions (5):

PreventionGenetics, part of Exact Sciences
Classification: Likely benign for ELP1-related condition. Last evaluated: 2026-02-12. Review status: criteria provided, single submitter. Criteria: ACMG Guidelines, 2015. Collection method: clinical testing. Allele origin: germline.
Comment: This variant is classified as likely benign based on ACMG/AMP sequence variant interpretation guidelines (Richards et al. 2015 PMID: 25741868, with internal and published modifications).

Labcorp Genetics (formerly Invitae), Labcorp
Classification: Likely benign. Last evaluated: 2025-12-02. Review status: criteria provided, single submitter. Criteria: Invitae Variant Classification Sherloc (09022015). Collection method: clinical testing. Allele origin: germline.

Fulgent Genetics
Classification: Likely benign for Medulloblastoma; Familial dysautonomia. Last evaluated: 2022-04-27. Review status: criteria provided, single submitter. Criteria: ACMG Guidelines, 2015. Collection method: clinical testing. Allele origin: unknown.

Ambry Genetics
Classification: Likely benign. Last evaluated: 2019-07-11. Review status: criteria provided, single submitter. Criteria: Ambry Variant Classification Scheme 2023. Collection method: clinical testing. Allele origin: germline.

GeneDx
Classification: Likely benign. Last evaluated: 2015-12-11. Review status: criteria provided, single submitter. Criteria: GeneDx Variant Classification (06012015). Collection method: clinical testing. Allele origin: germline. Affected: yes.
Comment: This variant is considered likely benign or benign based on one or more of the following criteria: it is a conservative change, it occurs at a poorly conserved position in the protein, it is predicted to be benign by multiple in silico algorithms, and/or has population frequency not consistent with disease.